The following is an entry in ClinVar:

NM_000327.4(ROM1):c.921G>A (p.Gln307=)

Gene: ROM1 (retinal outer segment membrane protein 1; plus strand). Cytogenetic location: 11q12.3.
Variant type: single nucleotide variant.
Coding change: c.921G>A on transcript NM_000327.4 (MANE Select); coding-DNA position 921, G replaced by A.
Protein change: p.Gln307=; no amino-acid change (glutamine 307 retained).
Molecular consequence: synonymous variant.
Genome position (GRCh38, 1-based): chr11:62,614,704, G>A. VCF-style: chr11-62614704-G-A. GRCh37 (hg19) VCF-style: chr11-62382176-G-A.
Identifiers: ClinVar variation 740351 (VCV000740351.13), dbSNP rs145958512, ClinGen allele CA6049876.

ClinVar aggregate classification (germline): Likely benign. Review status: criteria provided, multiple submitters, no conflicts (2 of 4 stars). 3 submissions from 3 submitters: Likely benign (2). 1 of the submissions does not count toward it. Last evaluated 2025-12-14.

Conditions:
ROM1-related disorder. Also called: ROM1-related condition.

Allele frequency attached by ClinVar (database versions not stated): ExAC 0.00011; gnomAD 0.00011; gnomAD exomes 0.00014 and 0.00021; TOPMed 0.00014; ESP Exome Variant Server 0.00023.

Submissions (3):

Labcorp Genetics (formerly Invitae), Labcorp
Classification: Likely benign. Last evaluated: 2025-12-14. Review status: criteria provided, single submitter. Criteria: Invitae Variant Classification Sherloc (09022015). Collection method: clinical testing. Allele origin: germline.

Blueprint Genetics
Classification: Likely benign. Last evaluated: 2024-08-20. Review status: criteria provided, single submitter. Criteria: ACMG Guidelines, 2015. Collection method: clinical testing. Allele origin: germline.

PreventionGenetics, part of Exact Sciences
Classification: Likely benign for ROM1-related condition. Last evaluated: 2020-08-25. Review status: no assertion criteria provided. Collection method: clinical testing. Allele origin: germline. Not counted in ClinVar's aggregate classification.
Comment: This variant is classified as likely benign based on ACMG/AMP sequence variant interpretation guidelines (Richards et al. 2015 PMID: 25741868, with internal and published modifications).